The following is an entry in ClinVar:

ClinVar aggregate classification (germline): Pathogenic (1 of 4 stars; one submission).

Conditions:
Charcot-Marie-Tooth disease type 2. Also called: Charcot-Marie-Tooth type 2. Identifiers: Orphanet 64746, MedGen C0270914, MONDO:0018993.

Submission:

Labcorp Genetics (formerly Invitae), Labcorp
Classification: Pathogenic for Charcot-Marie-Tooth disease type 2. Last evaluated: 2019-08-26. Review status: criteria provided, single submitter. Criteria: Invitae Variant Classification Sherloc (09022015). Collection method: clinical testing. Allele origin: germline.
Comment: This sequence change replaces glutamic acid with glycine at codon 31 of the LMNA protein (p.Glu31Gly). The glutamic acid residue is highly conserved and there is a moderate physicochemical difference between glutamic acid and glycine. This variant is not present in population databases (ExAC no frequency). This variant has been observed in individual(s) with a suspected diagnosis of congenital muscular dystrophy (Invitae). In at least one individual the variant was observed to be de novo. Algorithms developed to predict the effect of missense changes on protein structure and function (SIFT, PolyPhen-2, Align-GVGD) all suggest that this variant is likely to be disruptive, but these predictions have not been confirmed by published functional studies and their clinical significance is uncertain. This variant disrupts the p.Glu31 amino acid residue in LMNA. Other variant(s) that disrupt this residue have been determined to be pathogenic (PMID: 22491857, 26098624, 27876398, 26034236). This suggests that this residue is clinically significant, and that variants that disrupt this residue are likely to be disease-causing. For these reasons, this variant has been classified as Pathogenic.

Literature cited by the submitters: PubMed 22491857; PubMed 26098624; PubMed 27876398; PubMed 26034236.

NM_170707.4(LMNA):c.92A>G (p.Glu31Gly)

Genes: LMNA (lamin A/C; plus strand), LOC129931597 (ATAC-STARR-seq lymphoblastoid silent region 1421; plus strand). Cytogenetic location: 1q22.
Variant type: single nucleotide variant.
Coding change: c.92A>G on transcript NM_170707.4 (MANE Select); coding-DNA position 92, A replaced by G.
Protein change: p.Glu31Gly; replaces glutamic acid 31 with glycine.
Molecular consequence: missense variant.
Genome position (GRCh38, 1-based): chr1:156,115,010, A>G. VCF-style: chr1-156115010-A-G. GRCh37 (hg19) VCF-style: chr1-156084801-A-G.
Other names: c.92A>G, p.Glu31Gly (NM_001282625.2, NM_001282626.2, NM_005572.4 and 1 more transcripts); short protein forms E31G.
Identifiers: ClinVar variation 944168 (VCV000944168.2), dbSNP rs1649709575, ClinGen allele CA342807411.